The following is an entry in ClinVar:

NM_001281775.3(ZMYND8):c.190A>C (p.Lys64Gln)

Gene: ZMYND8 (zinc finger MYND-type containing 8; minus strand). Cytogenetic location: 20q13.12.
Variant type: single nucleotide variant.
Coding change: c.190A>C on transcript NM_001281775.3 (MANE Select); coding-DNA position 190, A replaced by C.
Protein change: p.Lys64Gln; replaces lysine 64 with glutamine.
Molecular consequence: missense variant. On other transcripts: 5 prime UTR variant (2).
Genome position (GRCh38, 1-based): chr20:47,310,100, T>G on the plus strand (A>C on the coding strand, the complement: ZMYND8 is on the minus strand). VCF-style: chr20-47310100-T-G. GRCh37 (hg19) VCF-style: chr20-45938844-T-G.
Other names: c.190A>C, p.Lys64Gln (NM_001281769.2, NM_001281771.3, NM_001281776.3 and 9 more transcripts); c.205A>C, p.Lys69Gln (NM_001281772.3); c.130A>C, p.Lys44Gln (NM_001281773.3, NM_001281774.3, NM_001363741.2); c.-746A>C (NM_001281779.3, NM_001281780.3); c.211A>C, p.Lys71Gln (NM_001363714.1); short protein forms K44Q, K64Q, K69Q, K71Q.
Identifiers: ClinVar variation 3253257 (VCV003253257.1), dbSNP rs2518327460.

ClinVar aggregate classification (germline): Uncertain significance (1 of 4 stars; one submission).

Submission:

GeneDx
Classification: Uncertain significance. Last evaluated: 2023-08-14. Review status: criteria provided, single submitter. Criteria: GeneDx Variant Classification Process June 2021. Collection method: clinical testing. Allele origin: germline. Affected: yes.
Comment: Not observed at significant frequency in large population cohorts (gnomAD); In silico analysis supports that this missense variant does not alter protein structure/function; Has not been previously published as pathogenic or benign to our knowledge